The following is an entry in ClinVar:

ClinVar aggregate classification (germline): Likely pathogenic (1 of 4 stars; one submission).

Conditions:
Joubert syndrome. Also called: CEREBELLOPARENCHYMAL DISORDER IV; JOUBERT-BOLTSHAUSER SYNDROME; Familial aplasia of the vermis. Identifiers: Orphanet 475, MedGen C5979921, MONDO:0018772.
Meckel-Gruber syndrome. Also called: DYSENCEPHALIA SPLANCHNOCYSTICA; GRUBER SYNDROME; Dysencephalia splachnocystica. Identifiers: Orphanet 564, MedGen C0265215, MONDO:0018921.
Nephronophthisis. Also called: Juvenile Nephronophthisis. Identifiers: Orphanet 655, MedGen C0687120, MONDO:0019005, HP:0000090.

Submission:

Labcorp Genetics (formerly Invitae), Labcorp
Classification: Likely pathogenic for Joubert syndrome; Meckel-Gruber syndrome; Nephronophthisis. Last evaluated: 2022-05-12. Review status: criteria provided, single submitter. Criteria: Invitae Variant Classification Sherloc (09022015). Collection method: clinical testing. Allele origin: germline.
Comment: In summary, the currently available evidence indicates that the variant is pathogenic, but additional data are needed to prove that conclusively. Therefore, this variant has been classified as Likely Pathogenic. Algorithms developed to predict the effect of sequence changes on RNA splicing suggest that this variant may disrupt the consensus splice site. This variant has not been reported in the literature in individuals affected with CEP290-related conditions. This variant is not present in population databases (gnomAD no frequency). This sequence change affects an acceptor splice site in intron 42 of the CEP290 gene. It is expected to disrupt RNA splicing. Variants that disrupt the donor or acceptor splice site typically lead to a loss of protein function (PMID: 16199547), and loss-of-function variants in CEP290 are known to be pathogenic (PMID: 16909394, 17345604, 20690115).

Literature cited by the submitters: PubMed 16199547; PubMed 16909394; PubMed 17345604; PubMed 20690115.

NM_025114.4(CEP290):c.5856-2A>C

Gene: CEP290 (centrosomal protein 290; minus strand). Cytogenetic location: 12q21.32.
Variant type: single nucleotide variant.
Coding change: c.5856-2A>C on transcript NM_025114.4 (MANE Select); the canonical splice acceptor site of the intron before coding-DNA position 5856, A replaced by C.
Molecular consequence: splice acceptor variant.
Genome position (GRCh38, 1-based): chr12:88,071,451, T>G on the plus strand (A>C on the coding strand, the complement: CEP290 is on the minus strand). VCF-style: chr12-88071451-T-G. GRCh37 (hg19) VCF-style: chr12-88465228-T-G.
Identifiers: ClinVar variation 1993455 (VCV001993455.4), dbSNP rs2499731924, ClinGen allele CA385984234.